The following is an entry in ClinVar:

NM_003001.5(SDHC):c.38G>C (p.Cys13Ser)

Gene: SDHC (succinate dehydrogenase complex subunit C; plus strand). Cytogenetic location: 1q23.3.
Variant type: single nucleotide variant.
Coding change: c.38G>C on transcript NM_003001.5 (MANE Select); coding-DNA position 38, G replaced by C.
Protein change: p.Cys13Ser; replaces cysteine 13 with serine.
Molecular consequence: missense variant. On other transcripts: 5 prime UTR variant (2), non-coding transcript variant (1), intron variant (4).
Genome position (GRCh38, 1-based): chr1:161,323,631, G>C. VCF-style: chr1-161323631-G-C. GRCh37 (hg19) VCF-style: chr1-161293421-G-C.
Other names: c.38G>C, p.Cys13Ser (NM_001035511.3, NM_001035512.3, NM_001278172.3 and 2 more transcripts); c.-74G>C (NM_001407119.1); c.-192G>C (NM_001407120.1); c.21-4765G>C (NM_001407116.1, NM_001407121.1, NM_001407117.1); c.20+9206G>C (NM_001035513.3); short protein forms C13S.
Identifiers: ClinVar variation 824356 (VCV000824356.9), dbSNP rs1558164528, ClinGen allele CA343359372.

ClinVar aggregate classification (germline): Uncertain significance. Review status: criteria provided, multiple submitters, no conflicts (2 of 4 stars). 2 submissions from 2 submitters: Uncertain significance (2). Last evaluated 2023-06-05.

Conditions:
Hereditary cancer-predisposing syndrome. Also called: Neoplastic Syndromes, Hereditary; Tumor predisposition; Hereditary Cancer Syndrome; Hereditary neoplastic syndrome. Identifiers: Orphanet 140162, MedGen C0027672, MeSH D009386, MONDO:0015356.
Pheochromocytoma/paraganglioma syndrome 3. Also called: GLOMUS TUMORS, FAMILIAL, 3; Paragangliomas 3; SDHC-Related Hereditary Paraganglioma-Pheochromocytoma Syndrome (Paragangliomas 3); SDHC-Related Hereditary Paraganglioma-Pheochromocytoma Syndrome. Identifiers: Orphanet 29072, MedGen C1854336, MONDO:0011544, OMIM 605373.
Gastrointestinal stromal tumor. Also called: Gastrointestinal stromal tumor, somatic; Gastrointestinal stroma tumor. Identifiers: Orphanet 44890, MedGen C0238198, MeSH D046152, MONDO:0011719, OMIM 606764, HP:0100723.

Submissions (2):

Ambry Genetics
Classification: Uncertain significance for Hereditary cancer-predisposing syndrome. Last evaluated: 2023-06-05. Review status: criteria provided, single submitter. Criteria: Ambry Variant Classification Scheme 2023. Collection method: clinical testing. Allele origin: germline.
Comment: The p.C13S variant (also known as c.38G>C), located in coding exon 2 of the SDHC gene, results from a G to C substitution at nucleotide position 38. The cysteine at codon 13 is replaced by serine, an amino acid with dissimilar properties. This amino acid position is highly conserved in available vertebrate species. In addition, this alteration is predicted to be deleterious by in silico analysis. Since supporting evidence is limited at this time, the clinical significance of this alteration remains unclear.

Labcorp Genetics (formerly Invitae), Labcorp
Classification: Uncertain significance for Pheochromocytoma/paraganglioma syndrome 3; Gastrointestinal stromal tumor. Last evaluated: 2023-04-24. Review status: criteria provided, single submitter. Criteria: Invitae Variant Classification Sherloc (09022015). Collection method: clinical testing. Allele origin: germline.
Comment: In summary, the available evidence is currently insufficient to determine the role of this variant in disease. Therefore, it has been classified as a Variant of Uncertain Significance. An algorithm developed to predict the effect of missense changes on protein structure and function (PolyPhen-2) suggests that this variant is likely to be tolerated. ClinVar contains an entry for this variant (Variation ID: 824356). This variant has not been reported in the literature in individuals affected with SDHC-related conditions. This variant is not present in population databases (gnomAD no frequency). This sequence change replaces cysteine, which is neutral and slightly polar, with serine, which is neutral and polar, at codon 13 of the SDHC protein (p.Cys13Ser).